The following is an entry in ClinVar:

ClinVar aggregate classification (germline): Uncertain significance (1 of 4 stars; one submission).

Allele frequency attached by ClinVar (database versions not stated): gnomAD exomes 0.00001.
gnomAD v4.1: 14 of 1,613,808 alleles (0.00087%); highest among the groups gnomAD compares: Non-Finnish European, 0.0012%; no homozygotes.

Submission:

Labcorp Genetics (formerly Invitae), Labcorp
Classification: Uncertain significance. Last evaluated: 2023-07-05. Review status: criteria provided, single submitter. Criteria: Invitae Variant Classification Sherloc (09022015). Collection method: clinical testing. Allele origin: germline.
Comment: In summary, the available evidence is currently insufficient to determine the role of this variant in disease. Therefore, it has been classified as a Variant of Uncertain Significance. An algorithm developed to predict the effect of missense changes on protein structure and function (PolyPhen-2) suggests that this variant is likely to be tolerated. ClinVar contains an entry for this variant (Variation ID: 1401838). This variant has not been reported in the literature in individuals affected with C1S-related conditions. This variant is not present in population databases (gnomAD no frequency). This sequence change replaces proline, which is neutral and non-polar, with threonine, which is neutral and polar, at codon 685 of the C1S protein (p.Pro685Thr).

NM_001734.5(C1S):c.2053C>A (p.Pro685Thr)

Gene: C1S (complement C1s; plus strand). Cytogenetic location: 12p13.31.
Variant type: single nucleotide variant.
Coding change: c.2053C>A on transcript NM_001734.5 (MANE Select); coding-DNA position 2053, C replaced by A.
Protein change: p.Pro685Thr; replaces proline 685 with threonine.
Molecular consequence: missense variant.
Genome position (GRCh38, 1-based): chr12:7,070,637, C>A. VCF-style: chr12-7070637-C-A. GRCh37 (hg19) VCF-style: chr12-7177941-C-A.
Other names: c.1552C>A, p.Pro518Thr (NM_001346850.2); c.2053C>A, p.Pro685Thr (NM_201442.4); short protein forms P518T, P685T.
Identifiers: ClinVar variation 1401838 (VCV001401838.8), dbSNP rs2135731141, ClinGen allele CA383709353.
Genomic context (GRCh38, chr12:7,070,637, plus strand): 5'-TACACACGGGTAAAGAACTATGTTGACTGGATAATGAAGACTATGCAGGAAAATAGCACC[C>A]CCCGTGAGGACTAATCCAGATACATCCCACCAGCCTCTCCAAGGGTGGTGACCAATGCAT-3'
Protein context (NP_001725.1, residues 675-688): IMKTMQENST[Pro685Thr]RED